The following is an entry in ClinVar:

NM_003238.6(TGFB2):c.211T>C (p.Tyr71His)

Gene: TGFB2 (transforming growth factor beta 2; plus strand). Cytogenetic location: 1q41.
Variant type: single nucleotide variant.
Coding change: c.211T>C on transcript NM_003238.6 (MANE Select); coding-DNA position 211, T replaced by C.
Protein change: p.Tyr71His; replaces tyrosine 71 with histidine.
Molecular consequence: missense variant. On other transcripts: non-coding transcript variant (2).
Genome position (GRCh38, 1-based): chr1:218,346,912, T>C. VCF-style: chr1-218346912-T-C. GRCh37 (hg19) VCF-style: chr1-218520254-T-C.
Other names: c.211T>C, p.Tyr71His (NM_001135599.4); short protein forms Y71H.
Identifiers: ClinVar variation 4820488 (VCV004820488.1).
Genomic context (GRCh38, chr1:218,346,912, plus strand): 5'-ACCAGTCCCCCAGAAGACTATCCTGAGCCCGAGGAAGTCCCCCCGGAGGTGATTTCCATC[T>C]ACAACAGCACCAGGGACTTGCTCCAGGAGAAGGCGAGCCGGAGGGCGGCCGCCTGCGAGC-3'
Protein context (NP_003229.1, residues 61-81): EEVPPEVISI[Tyr71His]NSTRDLLQEK

ClinVar aggregate classification (germline): Uncertain significance (1 of 4 stars; one submission).

Conditions:
Cardiovascular phenotype. Identifiers: MedGen CN230736.

Submission:

Molecular Diagnostic Laboratory for Inherited Cardiovascular Disease, Montreal Heart Institute
Classification: Uncertain significance for Cardiovascular phenotype. Last evaluated: 2026-03-27. Review status: criteria provided, single submitter. Criteria: ACMG Guidelines, 2015. Collection method: clinical testing. Allele origin: germline. Affected: yes.
Comment: PM2, PP3